The following is an entry in ClinVar:

ClinVar aggregate classification (germline): Pathogenic (1 of 4 stars; one submission).

Conditions:
Leigh syndrome (NULS). Also called: Leigh's syndrome; LEIGH SYNDROME, NUCLEAR; Leigh Disease; Subacute necrotizing encephalopathy; Necrotizing encephalopathy infantile subacute of Leigh; Leigh Syndrome (mtDNA deletion). Identifiers: Orphanet 506, MedGen C2931891, MONDO:0009723, OMIM 256000.

Submission:

Labcorp Genetics (formerly Invitae), Labcorp
Classification: Pathogenic for Leigh syndrome. Last evaluated: 2021-11-14. Review status: criteria provided, single submitter. Criteria: Invitae Variant Classification Sherloc (09022015). Collection method: clinical testing. Allele origin: germline.
Comment: For these reasons, this variant has been classified as Pathogenic. This variant has not been reported in the literature in individuals affected with SURF1-related conditions. This variant is not present in population databases (gnomAD no frequency). This sequence change creates a premature translational stop signal (p.Val162Glyfs*17) in the SURF1 gene. It is expected to result in an absent or disrupted protein product. Loss-of-function variants in SURF1 are known to be pathogenic (PMID: 10443880, 22488715, 24027061).

Literature cited by the submitters: PubMed 10443880; PubMed 22488715; PubMed 24027061.

NM_003172.4(SURF1):c.485_486del (p.Val162fs)

Gene: SURF1 (SURF1 cytochrome c oxidase assembly factor; minus strand). Cytogenetic location: 9q34.2.
Variant type: Microsatellite.
Coding change: c.485_486del on transcript NM_003172.4 (MANE Select); coding-DNA positions 485 to 486, 2 bases deleted (TG; older notation c.485_486delTG).
Protein change: p.Val162fs; shifts the reading frame from valine 162.
Molecular consequence: frameshift variant.
Genome position (GRCh38, 1-based): chr9:133,353,778-133,353,779, CA deleted on the plus strand (TG on the coding strand, the reverse complement: SURF1 is on the minus strand); deleting any 2 consecutive bases within chr9:133,353,778-133,353,781 gives the same sequence; the c. name uses the placement nearest the transcript's 3' end. VCF-style (leftmost placement, unchanged base first): chr9-133353777-CCA-C. GRCh37 (hg19) VCF-style: chr9-136220632-CCA-C.
Other names: c.158_159del, p.Val53fs (NM_001280787.1); short protein forms V53fs, V162fs.
Identifiers: ClinVar variation 1451209 (VCV001451209.6), dbSNP rs2119083367, ClinGen allele CA2580617135.